The following is an entry in ClinVar:

ClinVar aggregate classification (germline): Uncertain significance (1 of 4 stars; one submission).

Submission:

Dasa
Classification: Uncertain significance. Last evaluated: 2025-11-20. Review status: criteria provided, single submitter. Criteria: DASA Assertion Criteria. Collection method: clinical testing. Allele origin: germline.
Comment: NM_005052.3(RAC3):c.367A>C (p.Lys123Gln) is a missense variant that results in the substitution of lysine with glutamine. This variant is absent from population databases. The currently available literature and clinical evidence are not sufficient to establish a definitive association between this variant and the reported condition. Therefore, this variant is classified as a variant of uncertain significance.

NM_005052.3(RAC3):c.367A>C (p.Lys123Gln)

Gene: RAC3 (Rac family small GTPase 3; plus strand). Cytogenetic location: 17q25.3.
Variant type: single nucleotide variant.
Coding change: c.367A>C on transcript NM_005052.3 (MANE Select); coding-DNA position 367, A replaced by C.
Protein change: p.Lys123Gln; replaces lysine 123 with glutamine.
Molecular consequence: missense variant.
Genome position (GRCh38, 1-based): chr17:82,033,518, A>C. VCF-style: chr17-82033518-A-C. GRCh37 (hg19) VCF-style: chr17-79991394-A-C.
Other names: c.367A>C, p.Lys123Gln (NM_001316307.2); short protein forms K123Q.
Identifiers: ClinVar variation 4886046 (VCV004886046.2).